The following is an entry in ClinVar:

ClinVar aggregate classification (germline): Likely benign (1 of 4 stars; one submission).

Allele frequency attached by ClinVar (database versions not stated): gnomAD 0.01008 and 0.01086; 1000 Genomes Project 0.01058; TOPMed 0.01141; 1000 Genomes Project 30x 0.01202.
gnomAD v4.1: 1,526 of 152,256 alleles (1%); highest among the groups gnomAD compares: African/African-American, 3.5%; 25 homozygotes.

Submission:

GeneDx
Classification: Likely benign. Last evaluated: 2018-06-16. Review status: criteria provided, single submitter. Criteria: GeneDx Variant Classification (06012015). Collection method: clinical testing. Allele origin: germline. Affected: yes.
Comment: This variant is considered likely benign or benign based on one or more of the following criteria: it is a conservative change, it occurs at a poorly conserved position in the protein, it is predicted to be benign by multiple in silico algorithms, and/or has population frequency not consistent with disease.

NM_005476.7(GNE):c.617-260A>C

Gene: GNE (glucosamine (UDP-N-acetyl)-2-epimerase/N-acetylmannosamine kinase; minus strand). Cytogenetic location: 9p13.3.
Variant type: single nucleotide variant.
Coding change: c.617-260A>C on transcript NM_005476.7 (MANE Select); 260 bases into the intron before coding-DNA position 617, A replaced by C.
Molecular consequence: intron variant.
Genome position (GRCh38, 1-based): chr9:36,237,244, T>G on the plus strand (A>C on the coding strand, the complement: GNE is on the minus strand). VCF-style: chr9-36237244-T-G. GRCh37 (hg19) VCF-style: chr9-36237241-T-G.
Other names: c.440-260A>C (NM_001190388.2, NM_001374798.1); c.710-260A>C (NM_001128227.3); c.440-3112A>C (NM_001190384.3); c.617-3112A>C (NM_001374797.1); c.617-260A>C (NM_001190383.3).
Identifiers: ClinVar variation 673606 (VCV000673606.1), dbSNP rs16933112, ClinGen allele CA192821076.
Genomic context (GRCh38, chr9:36,237,244, plus strand): 5'-CTTAACATTTTACAAAGACATGCTGCCACAAACATAACTTTAAATAGCAGGCACTAGAAA[T>G]TCACTGTTTTAAAACCCAAACTATTCCAAAGCACTCAAAAAATGTGACTCTTCCCAATTT-3'